The following is an entry in ClinVar:

NM_004168.4(SDHA):c.1880T>C (p.Leu627Pro)

Gene: SDHA (succinate dehydrogenase complex flavoprotein subunit A; plus strand). Cytogenetic location: 5p15.33.
Variant type: single nucleotide variant.
Coding change: c.1880T>C on transcript NM_004168.4 (MANE Select); coding-DNA position 1880, T replaced by C.
Protein change: p.Leu627Pro; replaces leucine 627 with proline.
Molecular consequence: missense variant.
Genome position (GRCh38, 1-based): chr5:254,478, T>C. VCF-style: chr5-254478-T-C. GRCh37 (hg19) VCF-style: chr5-254593-T-C.
Other names: c.1736T>C, p.Leu579Pro (NM_001294332.2); c.1637T>C, p.Leu546Pro (NM_001330758.2); short protein forms L546P, L627P, L579P.
Identifiers: ClinVar variation 4991197 (VCV004991197.1).
Genomic context (GRCh38, chr5:254,478, plus strand): 5'-CCAAGCCCATCCAGGGGCAACAGAAGAAGCCCTTTGAGGAGCACTGGAGGAAGCACACCC[T>C]GTCCTATGTGGACGTTGGCACTGGGAAGGTCAGTGTGGAGCTCGTTCTCACCACAGCCCA-3'
Protein context (NP_004159.2, residues 617-637): PFEEHWRKHT[Leu627Pro]SYVDVGTGKV

ClinVar aggregate classification (germline): Uncertain significance (1 of 4 stars; one submission).

Conditions:
SDHA-related disorder. Also called: SDHA-related disorders; SDHA-related condition.

Submission:

PreventionGenetics, part of Exact Sciences
Classification: Uncertain significance for SDHA-related condition. Last evaluated: 2026-09-01. Review status: criteria provided, single submitter. Criteria: ACMG Guidelines, 2015. Collection method: clinical testing. Allele origin: germline.
Comment: The SDHA c.1880T>C variant is predicted to result in the amino acid substitution p.Leu627Pro. To our knowledge, this variant has not been reported in the literature or in a large population database (gnomAD), indicating this variant is rare. At the time of reporting, this variant was not present in ClinVar. At this time, the clinical significance of this variant is uncertain due to the absence of conclusive functional and genetic evidence.